The following is an entry in ClinVar:

ClinVar aggregate classification (germline): Likely pathogenic (1 of 4 stars; one submission).

Conditions:
Congenital lactic acidosis, Saguenay-Lac-Saint-Jean type (MC4DN5). Also called: CYTOCHROME c OXIDASE DEFICIENCY, FRENCH CANADIAN TYPE; COX DEFICIENCY, FRENCH CANADIAN TYPE; MITOCHONDRIAL COMPLEX IV DEFICIENCY, NUCLEAR TYPE 5. Identifiers: Orphanet 70472, MedGen C1857355, MONDO:0009069, OMIM 220111.

Submission:

Natera, Inc.
Classification: Likely pathogenic for French-Canadian type Leigh syndrome. Last evaluated: 2025-08-25. Review status: criteria provided, single submitter. Criteria: Natera Variant Classification Schema (03/2026). Collection method: clinical testing. Allele origin: germline.
Comment: The c.1172dup variant in LRPPRC is a frameshift variant predicted to shift the reading frame beginning at codon 392 and leads to a stop codon 4 codons downstream. This variant is expected to result in nonsense mediated decay, truncation, or a dysfunctional protein product. This variant is rare in the general population with a frequency below the threshold expected for the associated phenotype(s). Given the available evidence, this variant is classified as Likely Pathogenic.

NM_133259.4(LRPPRC):c.1172dup (p.Asp392fs)

Gene: LRPPRC (leucine rich pentatricopeptide repeat containing; minus strand). Cytogenetic location: 2p21.
Variant type: Duplication.
Coding change: c.1172dup on transcript NM_133259.4 (MANE Select); coding-DNA position 1172, one base duplicated (C; older notation c.1172dupC).
Protein change: p.Asp392fs; shifts the reading frame from aspartic acid 392.
Molecular consequence: frameshift variant.
Genome position (GRCh38, 1-based): chr2:43,973,884, G duplicated on the plus strand (C on the coding strand, the reverse complement: LRPPRC is on the minus strand). VCF-style (leftmost placement, unchanged base first): chr2-43973883-T-TG. GRCh37 (hg19) VCF-style: chr2-44201022-T-TG.
Other names: short protein forms D392fs.
Identifiers: ClinVar variation 4816478 (VCV004816478.1).